The following is an entry in ClinVar:

ClinVar aggregate classification (germline): Conflicting classifications of pathogenicity. Review status: criteria provided, conflicting classifications (1 of 4 stars). 10 submissions from 10 submitters: Pathogenic (1); Uncertain significance (9). Last evaluated 2026-04-27.

Conditions:
Cardiovascular phenotype. Identifiers: MedGen CN230736.
Cardiomyopathy (CMYO). Also called: Cardiomyopathies. Identifiers: Orphanet 167848, MedGen C0878544, MONDO:0004994, HP:0001638. Inheritance: Various modes of inheritance.
Hypertrophic cardiomyopathy 4. Also called: Familial hypertrophic cardiomyopathy 4. Identifiers: MedGen C1861862, MONDO:0007268, OMIM 115197.
Hypertrophic cardiomyopathy. Also called: HYPERTROPHIC MYOCARDIOPATHY. Identifiers: Orphanet 217569, MedGen C0007194, MeSH D002312, MONDO:0005045, HP:0001639.

Allele frequency attached by ClinVar (database versions not stated): gnomAD 0.00001; TOPMed 0.00001.
gnomAD v4.1: 5 of 1,613,888 alleles (0.00031%); highest among the groups gnomAD compares: East Asian, 0.0022%; no homozygotes.

Submissions (10):

Women's Health and Genetics/Laboratory Corporation of America, LabCorp
Classification: Uncertain significance. Last evaluated: 2026-04-27. Review status: criteria provided, single submitter. Criteria: LabCorp Variant Classification Summary - May 2015. Collection method: clinical testing. Allele origin: germline.
Comment: Variant summary: MYBPC3 c.2450G>A (p.Arg817Gln) results in a conservative amino acid change in the encoded protein sequence. Algorithms developed to predict the effect of missense changes on protein structure and function are either unavailable or do not agree on the potential impact of this missense change. The variant allele was found at a frequency of 1.2e-05 in 249212 control chromosomes. The available data on variant occurrences in the general population are insufficient to allow any conclusion about variant significance. c.2450G>A has been observed in the heterozygous state in multiple individual(s) affected with hypertrophic cardiomyopathy without strong evidence for causality (e.g. Walsh_2017, Murphy_2016, Thompson_2021, Zhou_2024, McGurk_2023, Viswanathan_2017, internal data), as well as an individual affected with myocardial fibrosis (Shabani_2022). In at least 2 families, this variant was observed to be in cis with a pathogenic variant (internal data). In at least 2 unaffected children, this variant was observed likely trans with a pathogenic variant (internal data). These report(s) do not provide unequivocal conclusions about association of the variant with MYBPC3-related conditions. To our knowledge, no experimental evidence demonstrating an impact on protein function has been reported. The following publications have been ascertained in the context of this evaluation (PMID: 37652022, 26914223, 35265679, 33782553, 29121657, 27532257, 37949234). ClinVar contains an entry for this variant (Variation ID: 42621). Based on the evidence outlined above, the variant was classified as uncertain significance.

Labcorp Genetics (formerly Invitae), Labcorp
Classification: Pathogenic for Hypertrophic cardiomyopathy. Last evaluated: 2025-05-22. Review status: criteria provided, single submitter. Criteria: Invitae Variant Classification Sherloc (09022015). Collection method: clinical testing. Allele origin: germline.
Comment: This sequence change replaces arginine, which is basic and polar, with glutamine, which is neutral and polar, at codon 817 of the MYBPC3 protein (p.Arg817Gln). This variant is present in population databases (rs397515964, gnomAD 0.008%). This missense change has been observed in individuals with hypertrophic cardiomyopathy (PMID: 26914223, 27532257). ClinVar contains an entry for this variant (Variation ID: 42621). An algorithm developed to predict the effect of missense changes on protein structure and function (PolyPhen-2) suggests that this variant is likely to be disruptive. This variant disrupts the p.Arg817 amino acid residue in MYBPC3. Other variant(s) that disrupt this residue have been determined to be pathogenic (PMID: 25351510, 26914223, 27532257). This suggests that this residue is clinically significant, and that variants that disrupt this residue are likely to be disease-causing. For these reasons, this variant has been classified as Pathogenic.

GeneDx
Classification: Uncertain significance. Last evaluated: 2024-08-01. Review status: criteria provided, single submitter. Criteria: GeneDx Variant Classification Process June 2021. Collection method: clinical testing. Allele origin: germline. Affected: yes.
Comment: Not observed at significant frequency in large population cohorts (gnomAD); In silico analysis supports that this missense variant has a deleterious effect on protein structure/function; This variant is associated with the following publications: (PMID: 27532257, 29121657, 33782553, 37652022, 26914223)

Ambry Genetics
Classification: Uncertain significance for Cardiovascular phenotype. Last evaluated: 2023-09-19. Review status: criteria provided, single submitter. Criteria: Ambry General Variant Classification Scheme_2022. Collection method: clinical testing. Allele origin: germline.
Comment: The p.R817Q variant (also known as c.2450G>A), located in coding exon 25 of the MYBPC3 gene, results from a G to A substitution at nucleotide position 2450. The arginine at codon 817 is replaced by glutamine, an amino acid with highly similar properties. This alteration has been reported in hypertrophic cardiomyopathy (HCM) cohorts (Alfares AA et al. Genet Med, 2015 Nov;17:880-8; Murphy SL et al. J Cardiovasc Transl Res, 2016 Apr;9:153-61; Viswanathan SK et al. PLoS One, 2017 Nov;12:e0187948; Helms AS et al. Circ Genom Precis Med, 2020 Oct;13:396-405). This amino acid position is highly conserved in available vertebrate species. In addition, the in silico prediction for this alteration is inconclusive. Since supporting evidence is limited at this time, the clinical significance of this alteration remains unclear.

All of Us Research Program, National Institutes of Health
Classification: Uncertain significance for Hypertrophic cardiomyopathy. Last evaluated: 2023-08-23. Review status: criteria provided, single submitter. Criteria: ACMG Guidelines, 2015. Collection method: clinical testing. Allele origin: germline. Inheritance: Autosomal dominant inheritance. Observed: 2 variant alleles, 2 heterozygotes.
Comment: This missense variant replaces arginine with glutamine at codon 817 of the MYBPC3 protein. Computational prediction is inconclusive regarding the impact of this variant on protein structure and function (internally defined REVEL score threshold 0.5 < inconclusive < 0.7, PMID: 27666373). To our knowledge, functional studies have not been reported for this variant. This variant has been reported in individuals affected with hypertrophic cardiomyopathy (PMID: 26914223, 27532257) and in an individual affected with myocardial fibrosis (PMID: 35265679). This variant has been identified in 5/280592 chromosomes in the general population by the Genome Aggregation Database (gnomAD). The available evidence is insufficient to determine the role of this variant in disease conclusively. Therefore, this variant is classified as a Variant of Uncertain Significance.

This study involves interpretation of variants in research participants for the purpose of population health screening. Participant phenotype was not available at the time of variant classification. Additional details can be found in publication PMID: 35346344, PMCID: PMC8962531

Color Diagnostics, LLC DBA Color Health
Classification: Uncertain significance for Cardiomyopathy. Last evaluated: 2023-08-11. Review status: criteria provided, single submitter. Criteria: ACMG Guidelines, 2015. Collection method: clinical testing. Allele origin: germline.
Comment: This missense variant replaces arginine with glutamine at codon 817 of the MYBPC3 protein. Computational prediction is inconclusive regarding the impact of this variant on protein structure and function. To our knowledge, functional studies have not been reported for this variant. This variant has been reported in individuals affected with hypertrophic cardiomyopathy (PMID: 26914223, 27532257) and in an individual affected with myocardial fibrosis (PMID: 35265679). This variant has been identified in 5/280592 chromosomes in the general population by the Genome Aggregation Database (gnomAD). The available evidence is insufficient to determine the role of this variant in disease conclusively. Therefore, this variant is classified as a Variant of Uncertain Significance.

Clinical Genetics Laboratory, Skane University Hospital Lund
Classification: Uncertain significance. Last evaluated: 2023-07-31. Review status: criteria provided, single submitter. Criteria: ACMG Guidelines, 2015. Collection method: clinical testing. Allele origin: germline. Affected: yes.

CHEO Genetics Diagnostic Laboratory, Children's Hospital of Eastern Ontario
Classification: Uncertain significance for Cardiomyopathy. Last evaluated: 2019-03-19. Review status: criteria provided, single submitter. Criteria: ACMG Guidelines, 2015. Collection method: clinical testing. Allele origin: germline.

Laboratory for Molecular Medicine, Mass General Brigham Personalized Medicine
Classification: Uncertain significance. Last evaluated: 2011-02-24. Review status: criteria provided, single submitter. Criteria: LMM Criteria. Collection method: clinical testing. Allele origin: germline. Observed: 4 variant alleles.
Comment: Variant classified as Uncertain Significance - Favor Pathogenic. The Arg817Gln v ariant has not been reported in the literature. The variant was not detected in 414 White and 368 Black control chromosomes, suggesting this var iant is not common in these populations. Furthermore, arginine (Arg) at position 817 is highly conserved across several species, indicating the change observed in this individual may negatively affect the MYBPC3 protein function. In summary , absence from healthy controls and evolutionary conservation of the amino acid are consistent with a pathogenic role; however, additional studies are needed to determine its significance with certainty.

Juno Genomics, Hangzhou Juno Genomics, Inc
Classification: Uncertain significance for Hypertrophic cardiomyopathy 4. Review status: criteria provided, single submitter. Criteria: ACMG Guidelines, 2015. Collection method: clinical testing. Allele origin: germline. Affected: yes.
Comment: The prevalence of the variant in affected individuals is significantly increased compared to the prevalence in controls.;For recessive disorders, detected in trans with a pathogenic variant.

Literature cited by the submitters: PubMed 27532257 (cited by 4 submitters); PubMed 26914223 (cited by 5 submitters); PubMed 29121657 (cited by Women's Health and Genetics/Laboratory Corporation of America, LabCorp and Ambry Genetics); PubMed 33782553 (cited by Women's Health and Genetics/Laboratory Corporation of America, LabCorp); PubMed 37652022 (cited by Women's Health and Genetics/Laboratory Corporation of America, LabCorp); PubMed 35265679 (cited by 3 submitters); PubMed 37949234 (cited by Women's Health and Genetics/Laboratory Corporation of America, LabCorp); PubMed 25351510 (cited by Labcorp Genetics (formerly Invitae), Labcorp); PubMed 25611685 (cited by Ambry Genetics); PubMed 32841044 (cited by Ambry Genetics).

NM_000256.3(MYBPC3):c.2450G>A (p.Arg817Gln)

Gene: MYBPC3 (myosin binding protein C3; minus strand). Cytogenetic location: 11p11.2.
Variant type: single nucleotide variant.
Coding change: c.2450G>A on transcript NM_000256.3 (MANE Select); coding-DNA position 2450, G replaced by A.
Protein change: p.Arg817Gln; replaces arginine 817 with glutamine.
Molecular consequence: missense variant.
Genome position (GRCh38, 1-based): chr11:47,337,543, C>T on the plus strand (G>A on the coding strand, the complement: MYBPC3 is on the minus strand). VCF-style: chr11-47337543-C-T. GRCh37 (hg19) VCF-style: chr11-47359094-C-T.
Other names: p.R817Q:CGG>CAG; short protein forms R817Q.
Identifiers: ClinVar variation 42621 (VCV000042621.23), dbSNP rs397515964, ClinGen allele CA012295.